The following is an entry in ClinVar:

NM_005228.5(EGFR):c.1835A>G (p.Asp612Gly)

Gene: EGFR (epidermal growth factor receptor; plus strand). Cytogenetic location: 7p11.2.
Variant type: single nucleotide variant.
Coding change: c.1835A>G on transcript NM_005228.5 (MANE Select); coding-DNA position 1835, A replaced by G.
Protein change: p.Asp612Gly; replaces aspartic acid 612 with glycine.
Molecular consequence: missense variant.
Genome position (GRCh38, 1-based): chr7:55,165,392, A>G. VCF-style: chr7-55165392-A-G. GRCh37 (hg19) VCF-style: chr7-55233085-A-G.
Other names: c.1700A>G, p.Asp567Gly (NM_001346897.2, NM_001346899.2); c.1835A>G, p.Asp612Gly (NM_001346898.2, NM_201282.2, NM_201284.2); c.1676A>G, p.Asp559Gly (NM_001346900.2); c.1034A>G, p.Asp345Gly (NM_001346941.2); short protein forms D345G, D559G, D567G, D612G.
Identifiers: ClinVar variation 3609359 (VCV003609359.3).

ClinVar aggregate classification (germline): Uncertain significance. Review status: criteria provided, multiple submitters, no conflicts (2 of 4 stars). 2 submissions from 2 submitters: Uncertain significance (2). Last evaluated 2025-11-05.

Conditions:
EGFR-related lung cancer (EGFR). Identifiers: MedGen CN130014.
Hereditary cancer-predisposing syndrome. Also called: Hereditary Cancer Syndrome; Neoplastic Syndromes, Hereditary; Tumor predisposition; Hereditary neoplastic syndrome. Identifiers: Orphanet 140162, MedGen C0027672, MeSH D009386, MONDO:0015356.

gnomAD v4.1: 1 of 1,614,170 alleles (0.000062%); highest among the groups gnomAD compares: Non-Finnish European, 0.000085%; no homozygotes.

Submissions (2):

Labcorp Genetics (formerly Invitae), Labcorp
Classification: Uncertain significance for EGFR-related lung cancer. Last evaluated: 2025-11-05. Review status: criteria provided, single submitter. Criteria: Invitae Variant Classification Sherloc (09022015). Collection method: clinical testing. Allele origin: germline.
Comment: This sequence change replaces aspartic acid, which is acidic and polar, with glycine, which is neutral and non-polar, at codon 612 of the EGFR protein (p.Asp612Gly). This variant is not present in population databases (gnomAD no frequency). This variant has not been reported in the literature in individuals affected with EGFR-related conditions. ClinVar contains an entry for this variant (Variation ID: 3609359). Invitae Evidence Modeling of protein sequence and biophysical properties (such as structural, functional, and spatial information, amino acid conservation, physicochemical variation, residue mobility, and thermodynamic stability) indicates that this missense variant is not expected to disrupt EGFR protein function with a negative predictive value of 80%. In summary, the available evidence is currently insufficient to determine the role of this variant in disease. Therefore, it has been classified as a Variant of Uncertain Significance.

Ambry Genetics
Classification: Uncertain significance for Hereditary cancer-predisposing syndrome. Last evaluated: 2025-02-09. Review status: criteria provided, single submitter. Criteria: Ambry Variant Classification Scheme 2023. Collection method: clinical testing. Allele origin: germline.
Comment: The p.D612G variant (also known as c.1835A>G), located in coding exon 15 of the EGFR gene, results from an A to G substitution at nucleotide position 1835. The aspartic acid at codon 612 is replaced by glycine, an amino acid with similar properties. This amino acid position is conserved. In addition, this alteration is predicted to be deleterious by in silico analysis. Based on the available evidence, the clinical significance of this variant remains unclear.